The following is an entry in ClinVar:

NM_001267550.2(TTN):c.77492G>A (p.Trp25831Ter)

Genes: TTN (titin; minus strand), TTN-AS1 (TTN antisense RNA 1; plus strand). Cytogenetic location: 2q31.2.
Variant type: single nucleotide variant.
Coding change: c.77492G>A on transcript NM_001267550.2 (MANE Select); coding-DNA position 77492, G replaced by A.
Protein change: p.Trp25831Ter; replaces tryptophan 25831 with a stop codon.
Molecular consequence: nonsense.
Genome position (GRCh38, 1-based): chr2:178,568,640, C>T on the plus strand (G>A on the coding strand, the complement: TTN is on the minus strand). VCF-style: chr2-178568640-C-T. GRCh37 (hg19) VCF-style: chr2-179433367-C-T.
Other names: c.72569G>A, p.Trp24190Ter (NM_001256850.1); c.50297G>A, p.Trp16766Ter (NM_003319.4); c.69788G>A, p.Trp23263Ter (NM_133378.4); c.50672G>A, p.Trp16891Ter (NM_133432.3); c.50873G>A, p.Trp16958Ter (NM_133437.4); short protein forms W16766*, W25831*, W16891*, W16958*, W23263*, W24190*.
Identifiers: ClinVar variation 4615345 (VCV004615345.1).

ClinVar aggregate classification (germline): Likely pathogenic (1 of 4 stars; one submission).

Conditions:
Cardiovascular phenotype. Identifiers: MedGen CN230736.

Submission:

Ambry Genetics
Classification: Likely pathogenic for Cardiovascular phenotype. Last evaluated: 2025-10-31. Review status: criteria provided, single submitter. Criteria: Ambry Variant Classification Scheme 2023. Collection method: clinical testing. Allele origin: germline.
Comment: The p.W16766* variant (also known as c.50297G>A), located in coding exon 153 of the TTN gene, results from a G to A substitution at nucleotide position 50297. This changes the amino acid from a tryptophan to a stop codon within coding exon 153. This exon is located in the A-band region of the N2-B isoform of the titin protein and is constitutively expressed in TTN transcripts (percent spliced in or PSI 100%). This variant is considered to be rare based on population cohorts in the Genome Aggregation Database (gnomAD). This variant is expected to result in loss of function by premature protein truncation or nonsense-mediated mRNA decay. While truncating variants in TTN are present in 1-3% of the general population, truncating variants in the A-band are the most common cause of dilated cardiomyopathy (Herman DS et al. N. Engl. J. Med., 2012 Feb;366:619-28; Roberts AM et al. Sci Transl Med, 2015 Jan;7:270ra6). TTN truncating variants encoded in constitutive exons (PSI >90%) have been found to be significantly associated with DCM regardless of their position in titin (Schafer S et al. Nat. Genet., 2017 01;49:46-53; Akhtar MM et al. Circ Heart Fail, 2020 Oct;13:e006832; Massier M et al. Clin Genet, 2025 Jan). Based on the majority of available evidence to date, this variant is likely to be pathogenic.